The following is an entry in ClinVar:

ClinVar aggregate classification (germline): Uncertain significance (1 of 4 stars; one submission).

gnomAD v4.1: 11 of 1,609,032 alleles (0.00068%); highest among the groups gnomAD compares: Non-Finnish European, 0.00093%; no homozygotes.

Submission:

CeGaT Center for Human Genetics Tuebingen
Classification: Uncertain significance. Last evaluated: 2024-11-01. Review status: criteria provided, single submitter. Criteria: CeGaT Center For Human Genetics Tuebingen Variant Classification Criteria Version 2. Collection method: clinical testing. Allele origin: germline. Affected: yes. Observed: 1 variant allele.
Comment: TUBB8: PM2, BP4

NM_177987.3(TUBB8):c.167-4G>T

Gene: TUBB8 (tubulin beta 8 class VIII; minus strand). Cytogenetic location: 10p15.3.
Variant type: single nucleotide variant.
Coding change: c.167-4G>T on transcript NM_177987.3 (MANE Select); 4 bases into the intron before coding-DNA position 167, G replaced by T.
Molecular consequence: intron variant.
Genome position (GRCh38, 1-based): chr10:48,729, C>A on the plus strand (G>T on the coding strand, the complement: TUBB8 is on the minus strand). VCF-style: chr10-48729-C-A. GRCh37 (hg19) VCF-style: chr10-94669-C-A.
Other names: c.-50-4G>T (NM_001389618.1, NM_001389619.1).
Identifiers: ClinVar variation 3389441 (VCV003389441.14).